The following is an entry in ClinVar:

NM_003632.3(CNTNAP1):c.2660C>T (p.Ala887Val)

Gene: CNTNAP1 (contactin associated protein 1; plus strand). Cytogenetic location: 17q21.2.
Variant type: single nucleotide variant.
Coding change: c.2660C>T on transcript NM_003632.3 (MANE Select); coding-DNA position 2660, C replaced by T.
Protein change: p.Ala887Val; replaces alanine 887 with valine.
Molecular consequence: missense variant.
Genome position (GRCh38, 1-based): chr17:42,692,628, C>T. VCF-style: chr17-42692628-C-T. GRCh37 (hg19) VCF-style: chr17-40844646-C-T.
Other names: c.2660C>T (NM_003632.2); short protein forms A887V.
Identifiers: ClinVar variation 1397103 (VCV001397103.10), dbSNP rs754439008, ClinGen allele CA8582108.

ClinVar aggregate classification (germline): Uncertain significance. Review status: criteria provided, multiple submitters, no conflicts (2 of 4 stars). 2 submissions from 2 submitters: Uncertain significance (2). Last evaluated 2025-03-21.

Conditions:
Inborn genetic diseases. Identifiers: MedGen C0950123, MeSH D030342.

Allele frequency attached by ClinVar (database versions not stated): TOPMed 0.00006; ExAC 0.00007; gnomAD exomes 0.00007 and 0.00014; gnomAD 0.00008 and 0.00009.
gnomAD v4.1: 206 of 1,614,058 alleles (0.013%); highest among the groups gnomAD compares: Non-Finnish European, 0.017%; no homozygotes.

Submissions (2):

Ambry Genetics
Classification: Uncertain significance for Inborn genetic diseases. Last evaluated: 2025-03-21. Review status: criteria provided, single submitter. Criteria: Ambry Variant Classification Scheme 2023. Collection method: clinical testing. Allele origin: germline.

Labcorp Genetics (formerly Invitae), Labcorp
Classification: Uncertain significance. Last evaluated: 2021-12-02. Review status: criteria provided, single submitter. Criteria: Invitae Variant Classification Sherloc (09022015). Collection method: clinical testing. Allele origin: germline.
Comment: Algorithms developed to predict the effect of missense changes on protein structure and function are either unavailable or do not agree on the potential impact of this missense change (SIFT: "Deleterious"; PolyPhen-2: "Benign"; Align-GVGD: "Class C55"). In summary, the available evidence is currently insufficient to determine the role of this variant in disease. Therefore, it has been classified as a Variant of Uncertain Significance. Algorithms developed to predict the effect of sequence changes on RNA splicing suggest that this variant may create or strengthen a splice site. This variant has not been reported in the literature in individuals affected with CNTNAP1-related conditions. This variant is present in population databases (rs754439008, gnomAD 0.01%). This sequence change replaces alanine, which is neutral and non-polar, with valine, which is neutral and non-polar, at codon 887 of the CNTNAP1 protein (p.Ala887Val).